The following is an entry in ClinVar:

ClinVar aggregate classification (germline): Benign/Likely benign. Review status: criteria provided, multiple submitters, no conflicts (2 of 4 stars). 3 submissions from 3 submitters: Benign (2); Likely benign (1). Last evaluated 2026-09-01.

Conditions:
Familial sleep-related hypermotor epilepsy. Also called: Autosomal Dominant Sleep-Related Hypermotor (Hyperkinetic) Epilepsy. Identifiers: Orphanet 98784, MedGen C3696898, MONDO:0000030.

Submissions (3):

CeGaT Center for Human Genetics Tuebingen
Classification: Likely benign. Last evaluated: 2026-09-01. Review status: criteria provided, single submitter. Criteria: CeGaT Center For Human Genetics Tuebingen Variant Classification Criteria Version 2. Collection method: clinical testing. Allele origin: germline. Affected: yes. Observed: 1 variant allele.
Comment: CHRNA2: BP4, BS1

Labcorp Genetics (formerly Invitae), Labcorp
Classification: Benign. Last evaluated: 2025-12-05. Review status: criteria provided, single submitter. Criteria: Invitae Variant Classification Sherloc (09022015). Collection method: clinical testing. Allele origin: germline.

GeneDx
Classification: Benign. Last evaluated: 2015-03-03. Review status: criteria provided, single submitter. Criteria: GeneDx Variant Classification Process June 2021. Collection method: clinical testing. Allele origin: germline. Affected: yes.

NM_000742.4(CHRNA2):c.295-16_295-7dup

Gene: CHRNA2 (cholinergic receptor nicotinic alpha 2 subunit; minus strand). Cytogenetic location: 8p21.2.
Variant type: Duplication.
Coding change: c.295-16_295-7dup on transcript NM_000742.4 (MANE Select); 16 bases into the intron before coding-DNA position 295 through 7 bases into the intron before coding-DNA position 295, 10 bases duplicated (TCTCTCTCTG; older notation c.295-16_295-7dupTCTCTCTCTG).
Molecular consequence: intron variant.
Genome position (GRCh38, 1-based): chr8:27,469,386-27,469,395, CAGAGAGAGA duplicated on the plus strand (TCTCTCTCTG on the coding strand, the reverse complement: CHRNA2 is on the minus strand); duplicating any 10 consecutive bases within chr8:27,469,386-27,469,400 gives the same sequence; the c. name uses the placement nearest the transcript's 3' end. VCF-style (leftmost placement, unchanged base first): chr8-27469385-C-CCAGAGAGAGA. GRCh37 (hg19) VCF-style: chr8-27326902-C-CCAGAGAGAGA.
Other names: c.-178-16_-178-7dup (NM_001347705.2, NM_001347706.2); c.250-16_250-7dup (NM_001282455.2); c.-167-16_-167-7dup (NM_001347708.2); c.-164-16_-164-7dup (NM_001347707.2); c.295-16_295-7dup (NM_000742.3).
Identifiers: ClinVar variation 476991 (VCV000476991.14), dbSNP rs776047724, ClinGen allele CA4689717.